The following is an entry in ClinVar:

NM_000523.4(HOXD13):c.64G>T (p.Ala22Ser)

Gene: HOXD13 (homeobox D13; plus strand). Cytogenetic location: 2q31.1.
Variant type: single nucleotide variant.
Coding change: c.64G>T on transcript NM_000523.4 (MANE Select); coding-DNA position 64, G replaced by T.
Protein change: p.Ala22Ser; replaces alanine 22 with serine.
Molecular consequence: missense variant.
Genome position (GRCh38, 1-based): chr2:176,092,954, G>T. VCF-style: chr2-176092954-G-T. GRCh37 (hg19) VCF-style: chr2-176957682-G-T.
Other names: short protein forms A22S.
Identifiers: ClinVar variation 5006132 (VCV005006132.2).

ClinVar aggregate classification (germline): Uncertain significance (1 of 4 stars; one submission).

Conditions:
Syndactyly type 5. Also called: SYNDACTYLY WITH METACARPAL AND METATARSAL FUSION; Syndactyly, type V; Syndactyly with associated metacarpal and metatarsal fusion. Identifiers: Orphanet 93406, MedGen C1861348, MONDO:0008516, OMIM 186300.
Synpolydactyly type 1. Identifiers: Orphanet 295195, MedGen C5574994, MONDO:0008513, OMIM 186000.
Brachydactyly-syndactyly syndrome (BDSD). Identifiers: Orphanet 93409, MedGen C1853137, MONDO:0012544, OMIM 610713.
Brachydactyly type E1 (BDE1). Identifiers: Orphanet 93387, MedGen C1862102, MONDO:0007223, OMIM 113300.
Brachydactyly type D. Also called: STUB THUMB. Identifiers: MedGen C0220664, MONDO:0007222, OMIM 113200, HP:0005627.

gnomAD v4.1: 15 of 1,331,384 alleles (0.0011%); highest among the groups gnomAD compares: East Asian, 0.042%; no homozygotes.

Submission:

Juno Genomics, Hangzhou Juno Genomics, Inc
Classification: Uncertain significance for Brachydactyly-syndactyly syndrome; Brachydactyly type D; Brachydactyly type E1; Syndactyly type 5; Synpolydactyly type 1. Review status: criteria provided, single submitter. Criteria: ACMG Guidelines, 2015. Collection method: clinical testing. Allele origin: germline.
Comment: Absent from controls (or at extremely low frequency if recessive) in Genome Aggregation Database.